The following is an entry in ClinVar:

NM_002801.4(PSMB10):c.383+5G>A

Genes: PSMB10 (proteasome 20S subunit beta 10; minus strand), LOC130059251 (ATAC-STARR-seq lymphoblastoid active region 10994; plus strand). Cytogenetic location: 16q22.1.
Variant type: single nucleotide variant.
Coding change: c.383+5G>A on transcript NM_002801.4 (MANE Select); 5 bases into the intron after coding-DNA position 383, G replaced by A.
Molecular consequence: intron variant.
Genome position (GRCh38, 1-based): chr16:67,935,958, C>T on the plus strand (G>A on the coding strand, the complement: PSMB10 is on the minus strand). VCF-style: chr16-67935958-C-T. GRCh37 (hg19) VCF-style: chr16-67969861-C-T.
Identifiers: ClinVar variation 4684105 (VCV004684105.2).
Genomic context (GRCh38, chr16:67,935,958, plus strand): 5'-CGCCTTCCAATGGCCCCAACCCCGTAACTACCCCTGCCGGGGTCCTGTTAGCCCTGCCCC[C>T]GCACCTGAAGAGCGTCTGGCGCAGGATGCGAGTGACCGTGGCCACGCGGGGCTCGCGGCC-3'

ClinVar aggregate classification (germline): Benign/Likely benign. Review status: criteria provided, multiple submitters, no conflicts (2 of 4 stars). 2 submissions from 2 submitters: Benign (1); Likely benign (1). Last evaluated 2026-02-12.

gnomAD v4.1: 992 of 1,606,368 alleles (0.062%); highest among the groups gnomAD compares: African/African-American, 1.2%; 7 homozygotes.

Submissions (2):

Women's Health and Genetics/Laboratory Corporation of America, LabCorp
Classification: Benign. Last evaluated: 2026-02-12. Review status: criteria provided, single submitter. Criteria: LabCorp Variant Classification Summary - May 2015. Collection method: clinical testing. Allele origin: germline.
Comment: Variant summary: PSMB10 c.383+5G>A alters a nucleotide located close to a canonical splice site and therefore could affect mRNA splicing, leading to a significantly altered protein sequence. Several computational tools predict a significant impact on normal splicing: Two predict the variant abolishes the canonical 5' splicing donor site. One predict the variant weakens the canonical 5' donor site. Two predict the variant no significant impact on splicing. However, these predictions have yet to be confirmed by functional studies. The variant allele was found at a frequency of 0.00074 in 245474 control chromosomes, predominantly at a frequency of 0.011 within the African or African-American subpopulation in the gnomAD database. The observed variant frequency within African or African-American control individuals in the gnomAD database exceeds the estimated maximal expected allele frequency for disease-causing variants in PSMB10. To our knowledge, no occurrence of c.383+5G>A in individuals affected with PSMB10-related conditions and no experimental evidence demonstrating its impact on protein function have been reported. ClinVar contains an entry for this variant (Variation ID: 4684105). Based on the evidence outlined above, the variant was classified as benign.

Mayo Clinic Laboratories, Mayo Clinic
Classification: Likely benign. Last evaluated: 2025-09-05. Review status: criteria provided, single submitter. Criteria: ACMG Guidelines, 2015. Collection method: clinical testing. Allele origin: germline. Observed: 1 variant allele.
Comment: BS1, BP4, BP7